The following is an entry in ClinVar:

NM_000387.6(SLC25A20):c.198+4G>A

Gene: SLC25A20 (solute carrier family 25 member 20; minus strand). Cytogenetic location: 3p21.31.
Variant type: single nucleotide variant.
Coding change: c.198+4G>A on transcript NM_000387.6 (MANE Select); 4 bases into the intron after coding-DNA position 198, G replaced by A.
Molecular consequence: intron variant.
Genome position (GRCh38, 1-based): chr3:48,891,976, C>T on the plus strand (G>A on the coding strand, the complement: SLC25A20 is on the minus strand). VCF-style: chr3-48891976-C-T. GRCh37 (hg19) VCF-style: chr3-48929409-C-T.
Identifiers: ClinVar variation 2021881 (VCV002021881.4), dbSNP rs2470610284, ClinGen allele CA2577591661.

ClinVar aggregate classification (germline): Uncertain significance (1 of 4 stars; one submission).

Conditions:
Carnitine acylcarnitine translocase deficiency (CACTD). Identifiers: Orphanet 159, MedGen C0342791, MONDO:0008918, OMIM 212138.

Submission:

Labcorp Genetics (formerly Invitae), Labcorp
Classification: Uncertain significance for Carnitine acylcarnitine translocase deficiency. Last evaluated: 2022-08-05. Review status: criteria provided, single submitter. Criteria: Invitae Variant Classification Sherloc (09022015). Collection method: clinical testing. Allele origin: germline.
Comment: In summary, the available evidence is currently insufficient to determine the role of this variant in disease. Therefore, it has been classified as a Variant of Uncertain Significance. Variants that disrupt the consensus splice site are a relatively common cause of aberrant splicing (PMID: 17576681, 9536098). Algorithms developed to predict the effect of sequence changes on RNA splicing suggest that this variant is not likely to affect RNA splicing. This variant has not been reported in the literature in individuals affected with SLC25A20-related conditions. This variant is not present in population databases (gnomAD no frequency). This sequence change falls in intron 2 of the SLC25A20 gene. It does not directly change the encoded amino acid sequence of the SLC25A20 protein. It affects a nucleotide within the consensus splice site.

Literature cited by the submitters: PubMed 17576681; PubMed 9536098.